The following is an entry in ClinVar:

NM_015973.5(GAL):c.11G>A (p.Gly4Asp)

Gene: GAL (galanin and GMAP prepropeptide; plus strand). Cytogenetic location: 11q13.2.
Variant type: single nucleotide variant.
Coding change: c.11G>A on transcript NM_015973.5 (MANE Select); coding-DNA position 11, G replaced by A.
Protein change: p.Gly4Asp; replaces glycine 4 with aspartic acid.
Molecular consequence: missense variant.
Genome position (GRCh38, 1-based): chr11:68,684,934, G>A. VCF-style: chr11-68684934-G-A. GRCh37 (hg19) VCF-style: chr11-68452402-G-A.
Other names: short protein forms G4D.
Identifiers: ClinVar variation 4689231 (VCV004689231.1).

ClinVar aggregate classification (germline): Uncertain significance (1 of 4 stars; one submission).

gnomAD v4.1: 5 of 1,607,386 alleles (0.00031%); highest among the groups gnomAD compares: East Asian, 0.0067%; no homozygotes.

Submission:

Women's Health and Genetics/Laboratory Corporation of America, LabCorp
Classification: Uncertain significance. Last evaluated: 2026-01-20. Review status: criteria provided, single submitter. Criteria: LabCorp Variant Classification Summary - May 2015. Collection method: clinical testing. Allele origin: germline.
Comment: Variant summary: GAL c.11G>A (p.Gly4Asp) results in a non-conservative amino acid change in the encoded protein sequence. Algorithms developed to predict the effect of missense changes on protein structure and function are either unavailable or do not agree on the potential impact of this missense change. The variant allele was found at a frequency of 4.3e-06 in 234498 control chromosomes. The available data on variant occurrences in the general population are insufficient to allow any conclusion about variant significance. To our knowledge, no occurrence of c.11G>A in individuals affected with GAL-related conditions and no experimental evidence demonstrating its impact on protein function have been reported. No submitters have cited clinical-significance assessments for this variant to ClinVar. Based on the evidence outlined above, the variant was classified as uncertain significance.